The following is an entry in ClinVar:

NM_002843.4(PTPRJ):c.3525G>A (p.Pro1175=)

Gene: PTPRJ (protein tyrosine phosphatase receptor type J; plus strand). Cytogenetic location: 11p11.2.
Variant type: single nucleotide variant.
Coding change: c.3525G>A on transcript NM_002843.4 (MANE Select); coding-DNA position 3525, G replaced by A.
Protein change: p.Pro1175=; no amino-acid change (proline 1175 retained).
Molecular consequence: synonymous variant.
Genome position (GRCh38, 1-based): chr11:48,160,016, G>A. VCF-style: chr11-48160016-G-A. GRCh37 (hg19) VCF-style: chr11-48181568-G-A.
Identifiers: ClinVar variation 4977199 (VCV004977199.1).

ClinVar aggregate classification (germline): Likely benign (1 of 4 stars; one submission).

Conditions:
PTPRJ-related disorder. Also called: PTPRJ-related condition.

gnomAD v4.1: 56 of 1,613,856 alleles (0.0035%); highest among the groups gnomAD compares: Middle Eastern, 0.016%; no homozygotes.

Submission:

PreventionGenetics, part of Exact Sciences
Classification: Likely benign for PTPRJ-related condition. Last evaluated: 2025-05-12. Review status: criteria provided, single submitter. Criteria: ACMG Guidelines, 2015. Collection method: clinical testing. Allele origin: germline.
Comment: This variant is classified as likely benign based on ACMG/AMP sequence variant interpretation guidelines (Richards et al. 2015 PMID: 25741868, with internal and published modifications).